The following is an entry in ClinVar:

ClinVar aggregate classification (germline): Uncertain significance (1 of 4 stars; one submission).

Conditions:
Inborn genetic diseases. Identifiers: MedGen C0950123, MeSH D030342.

Allele frequency attached by ClinVar (database versions not stated): gnomAD exomes below 0.00001.
gnomAD v4.1: 1 of 1,613,980 alleles (0.000062%); highest among the groups gnomAD compares: Non-Finnish European, 0.000085%; no homozygotes.

Submission:

Ambry Genetics
Classification: Uncertain significance for Inborn genetic diseases. Last evaluated: 2021-12-13. Review status: criteria provided, single submitter. Criteria: Ambry Variant Classification Scheme 2023. Collection method: clinical testing. Allele origin: germline.
Comment: The p.G2530S variant (also known as c.7588G>A), located in coding exon 45 of the ATR gene, results from a G to A substitution at nucleotide position 7588. The glycine at codon 2530 is replaced by serine, an amino acid with similar properties. This amino acid position is conserved. In addition, this alteration is predicted to be deleterious by in silico analysis. Since supporting evidence is limited at this time, the clinical significance of this alteration remains unclear.

NM_001184.4(ATR):c.7588G>A (p.Gly2530Ser)

Gene: ATR (ATR checkpoint kinase; minus strand). Cytogenetic location: 3q23.
Variant type: single nucleotide variant.
Coding change: c.7588G>A on transcript NM_001184.4 (MANE Select); coding-DNA position 7588, G replaced by A.
Protein change: p.Gly2530Ser; replaces glycine 2530 with serine.
Molecular consequence: missense variant.
Genome position (GRCh38, 1-based): chr3:142,457,671, C>T on the plus strand (G>A on the coding strand, the complement: ATR is on the minus strand). VCF-style: chr3-142457671-C-T. GRCh37 (hg19) VCF-style: chr3-142176513-C-T.
Other names: c.7396G>A, p.Gly2466Ser (NM_001354579.2); short protein forms G2530S, G2466S.
Identifiers: ClinVar variation 1759639 (VCV001759639.2), dbSNP rs914247885, ClinGen allele CA84724925.